The following is an entry in ClinVar:

ClinVar aggregate classification (germline): Uncertain significance. Review status: criteria provided, multiple submitters, no conflicts (2 of 4 stars). 2 submissions from 2 submitters: Uncertain significance (2). Last evaluated 2024-10-17.

Allele frequency attached by ClinVar (database versions not stated): ExAC 0.00007; gnomAD exomes 0.00013; ESP Exome Variant Server 0.00015; gnomAD 0.00008; TOPMed 0.00008.
gnomAD v4.1: 201 of 1,614,064 alleles (0.012%); highest among the groups gnomAD compares: Non-Finnish European, 0.016%; no homozygotes.

Submissions (2):

Labcorp Genetics (formerly Invitae), Labcorp
Classification: Uncertain significance. Last evaluated: 2024-10-17. Review status: criteria provided, single submitter. Criteria: Invitae Variant Classification Sherloc (09022015). Collection method: clinical testing. Allele origin: germline.
Comment: This sequence change replaces glycine, which is neutral and non-polar, with arginine, which is basic and polar, at codon 907 of the IARS protein (p.Gly907Arg). This variant is present in population databases (rs145983857, gnomAD 0.01%). This variant has not been reported in the literature in individuals affected with IARS-related conditions. ClinVar contains an entry for this variant (Variation ID: 2077527). An algorithm developed to predict the effect of missense changes on protein structure and function (PolyPhen-2) suggests that this variant is likely to be tolerated. In summary, the available evidence is currently insufficient to determine the role of this variant in disease. Therefore, it has been classified as a Variant of Uncertain Significance.

Ambry Genetics
Classification: Uncertain significance. Last evaluated: 2021-05-03. Review status: criteria provided, single submitter. Criteria: Ambry Variant Classification Scheme 2023. Collection method: clinical testing. Allele origin: germline.

NM_002161.6(IARS1):c.2719G>A (p.Gly907Arg)

Gene: IARS1 (isoleucyl-tRNA synthetase 1; minus strand). Cytogenetic location: 9q22.31.
Variant type: single nucleotide variant.
Coding change: c.2719G>A on transcript NM_002161.6 (MANE Select); coding-DNA position 2719, G replaced by A.
Protein change: p.Gly907Arg; replaces glycine 907 with arginine.
Molecular consequence: missense variant. On other transcripts: non-coding transcript variant (1).
Genome position (GRCh38, 1-based): chr9:92,247,449, C>T on the plus strand (G>A on the coding strand, the complement: IARS1 is on the minus strand). VCF-style: chr9-92247449-C-T. GRCh37 (hg19) VCF-style: chr9-95009731-C-T.
Other names: c.2644G>A, p.Gly882Arg (NM_001374299.1, NM_001374300.1, NM_001378584.1); c.2635G>A, p.Gly879Arg (NM_001374301.1); c.2782G>A, p.Gly928Arg (NM_001378569.1); c.2740G>A, p.Gly914Arg (NM_001378571.1); c.2719G>A, p.Gly907Arg (NM_001378572.1, NM_001378573.1, NM_001378574.1 and 9 more transcripts); c.2623G>A, p.Gly875Arg (NM_001378582.1); c.2596G>A, p.Gly866Arg (NM_001378583.1); c.2719G>A (NM_013417.2); short protein forms G866R, G914R, G928R, G882R, G879R, G907R, G875R.
Identifiers: ClinVar variation 2077527 (VCV002077527.5), dbSNP rs145983857, ClinGen allele CA5122113.